The following is an entry in ClinVar:

NM_152446.5(CEP128):c.1061T>C (p.Val354Ala)

Gene: CEP128 (centrosomal protein 128; minus strand). Cytogenetic location: 14q31.1.
Variant type: single nucleotide variant.
Coding change: c.1061T>C on transcript NM_152446.5 (MANE Select); coding-DNA position 1061, T replaced by C.
Protein change: p.Val354Ala; replaces valine 354 with alanine.
Molecular consequence: missense variant. On other transcripts: non-coding transcript variant (1).
Genome position (GRCh38, 1-based): chr14:80,831,291, A>G on the plus strand (T>C on the coding strand, the complement: CEP128 is on the minus strand). VCF-style: chr14-80831291-A-G. GRCh37 (hg19) VCF-style: chr14-81297635-A-G.
Other names: short protein forms V354A.
Identifiers: ClinVar variation 3250523 (VCV003250523.18), dbSNP rs116610923.

ClinVar aggregate classification (germline): Benign (1 of 4 stars; one submission).

Allele frequency attached by ClinVar (database versions not stated): 1000 Genomes Project 30x 0.00422; 1000 Genomes Project 0.00479; TOPMed 0.00682; ESP Exome Variant Server 0.00800; gnomAD 0.00822; ExAC 0.00872.
gnomAD v4.1: 15,731 of 1,613,696 alleles (0.97%); highest among the groups gnomAD compares: Middle Eastern, 1.4%; 122 homozygotes.

Submission:

CeGaT Center for Human Genetics Tuebingen
Classification: Benign. Last evaluated: 2024-06-01. Review status: criteria provided, single submitter. Criteria: CeGaT Center For Human Genetics Tuebingen Variant Classification Criteria Version 2. Collection method: clinical testing. Allele origin: germline. Affected: yes. Observed: 1 variant allele.
Comment: CEP128: BP4, BS1, BS2